The following is an entry in ClinVar:

NM_006493.4(CLN5):c.599_600insCA (p.Lys200fs)

Gene: CLN5 (CLN5 lysosomal BMP synthase; plus strand). Cytogenetic location: 13q22.3.
Variant type: Insertion.
Coding change: c.599_600insCA on transcript NM_006493.4 (MANE Select); coding-DNA positions 599 to 600, CA inserted.
Protein change: p.Lys200fs; shifts the reading frame from lysine 200.
Molecular consequence: frameshift variant. On other transcripts: 3 prime UTR variant (1).
Genome position: GRCh38 VCF-style: chr13-77000490-A-AAC. GRCh37 (hg19) VCF-style: chr13-77574625-A-AAC.
Other names: c.*48_*49insCA (NM_001366624.2); short protein forms K200fs.
Identifiers: ClinVar variation 1454215 (VCV001454215.7), dbSNP rs2154035111, ClinGen allele CA2573149755.

ClinVar aggregate classification (germline): Pathogenic. Review status: criteria provided, multiple submitters, no conflicts (2 of 4 stars). 2 submissions from 2 submitters: Pathogenic (2). Last evaluated 2026-03-03.

Conditions:
Neuronal ceroid lipofuscinosis. Also called: Neuronal Ceroid Lipofuscinoses. Identifiers: Orphanet 216, Orphanet 79263, MedGen C0027877, MONDO:0016295. Disease mechanism: loss of function.
Neuronal ceroid lipofuscinosis 5 (CLN5). Also called: CEROID LIPOFUSCINOSIS, NEURONAL, 5, VARIABLE AGE AT ONSET; Neuronal ceroid lipofuscinosis Finnish variant; NEURONAL CEROID LIPOFUSCINOSIS, LATE INFANTILE, FINNISH VARIANT; CLN5-Related Neuronal Ceroid-Lipofuscinosis. Identifiers: Orphanet 168491, Orphanet 228360, MedGen C1850442, MONDO:0009745, OMIM 256731.

Submissions (2):

Myriad Genetics, Inc.
Classification: Pathogenic for Neuronal ceroid lipofuscinosis 5. Last evaluated: 2026-03-03. Review status: criteria provided, single submitter. Criteria: Myriad Autosomal Dominant, Autosomal Recessive and X-Linked Classification Criteria (2023). Collection method: clinical testing. Allele origin: unknown.
Comment: NM_006493.2(CLN5):c.746_747insCA(K249Nfs*16) is a frameshift variant classified as pathogenic in the context of CLN5-related neuronal ceroid lipofuscinosis. K249Nfs*16 has been observed in a case with relevant disease (PMID: 31069529). Relevant functional assessments of this variant are not available in the literature. K249Nfs*16 has not been observed in referenced population frequency databases. In summary, NM_006493.2(CLN5):c.746_747insCA(K249Nfs*16) is a frameshift variant in a gene where loss of function is a known mechanism of disease, is predicted to disrupt protein function, and has been observed more frequently in cases with the relevant disease than in healthy populations. Please note: this variant was assessed in the context of healthy population screening.

Labcorp Genetics (formerly Invitae), Labcorp
Classification: Pathogenic for Neuronal ceroid lipofuscinosis. Last evaluated: 2023-08-04. Review status: criteria provided, single submitter. Criteria: Invitae Variant Classification Sherloc (09022015). Collection method: clinical testing. Allele origin: germline.
Comment: ClinVar contains an entry for this variant (Variation ID: 1454215). This sequence change creates a premature translational stop signal (p.Lys249Asnfs*16) in the CLN5 gene. While this is not anticipated to result in nonsense mediated decay, it is expected to disrupt the last 159 amino acid(s) of the CLN5 protein. This variant is not present in population databases (gnomAD no frequency). This premature translational stop signal has been observed in individual(s) with clinical features of neuronal ceroid lipofuscinosis (PMID: 31069529). This variant disrupts a region of the CLN5 protein in which other variant(s) (p.Tyr392*) have been determined to be pathogenic (PMID: 9662406; Invitae). This suggests that this is a clinically significant region of the protein, and that variants that disrupt it are likely to be disease-causing. For these reasons, this variant has been classified as Pathogenic.

Literature cited by the submitters: PubMed 31069529 (cited by Myriad Genetics, Inc. and Labcorp Genetics (formerly Invitae), Labcorp); PubMed 9662406 (cited by Labcorp Genetics (formerly Invitae), Labcorp).